The following is an entry in ClinVar:

NM_001854.4(COL11A1):c.1736G>A (p.Arg579Lys)

Gene: COL11A1 (collagen type XI alpha 1 chain; minus strand). Cytogenetic location: 1p21.1.
Variant type: single nucleotide variant.
Coding change: c.1736G>A on transcript NM_001854.4 (MANE Select); coding-DNA position 1736, G replaced by A.
Protein change: p.Arg579Lys; replaces arginine 579 with lysine.
Molecular consequence: missense variant. On other transcripts: non-coding transcript variant (1).
Genome position (GRCh38, 1-based): chr1:103,006,263, C>T on the plus strand (G>A on the coding strand, the complement: COL11A1 is on the minus strand). VCF-style: chr1-103006263-C-T. GRCh37 (hg19) VCF-style: chr1-103471819-C-T.
Other names: c.1619G>A, p.Arg540Lys (NM_001190709.2); c.1772G>A, p.Arg591Lys (NM_080629.3); c.1388G>A, p.Arg463Lys (NM_080630.4); short protein forms R463K, R540K, R579K, R591K.
Identifiers: ClinVar variation 4811753 (VCV004811753.1).

ClinVar aggregate classification (germline): Uncertain significance (1 of 4 stars; one submission).

gnomAD v4.1: 3 of 1,607,694 alleles (0.00019%); highest among the groups gnomAD compares: Non-Finnish European, 0.00025%; no homozygotes.

Submission:

Labcorp Genetics (formerly Invitae), Labcorp
Classification: Uncertain significance. Last evaluated: 2025-11-12. Review status: criteria provided, single submitter. Criteria: Invitae Variant Classification Sherloc (09022015). Collection method: clinical testing. Allele origin: germline.
Comment: This sequence change replaces arginine, which is basic and polar, with lysine, which is basic and polar, at codon 579 of the COL11A1 protein (p.Arg579Lys). This variant is not present in population databases (gnomAD no frequency). This variant has not been reported in the literature in individuals affected with COL11A1-related conditions. Experimental studies and prediction algorithms are not available or were not evaluated, and the functional significance of this variant is currently unknown. In summary, the available evidence is currently insufficient to determine the role of this variant in disease. Therefore, it has been classified as a Variant of Uncertain Significance.